The following is an entry in ClinVar:

ClinVar aggregate classification (germline): Uncertain significance (1 of 4 stars; one submission).

Conditions:
BNC2-related disorder. Also called: BNC2-related condition.

Submission:

PreventionGenetics, part of Exact Sciences
Classification: Uncertain significance for BNC2-related condition. Last evaluated: 2025-10-17. Review status: criteria provided, single submitter. Criteria: ACMG Guidelines, 2015. Collection method: clinical testing. Allele origin: germline.
Comment: The BNC2 c.1066A>C variant is predicted to result in the amino acid substitution p.Ser356Arg. To our knowledge, this variant has not been reported in the literature or in a large population database (gnomAD), indicating this variant is rare. At this time, the clinical significance of this variant is uncertain due to the absence of conclusive functional and genetic evidence.

NM_017637.6(BNC2):c.1066A>C (p.Ser356Arg)

Gene: BNC2 (basonuclin zinc finger protein 2; minus strand). Cytogenetic location: 9p22.3.
Variant type: single nucleotide variant.
Coding change: c.1066A>C on transcript NM_017637.6 (MANE Select); coding-DNA position 1066, A replaced by C.
Protein change: p.Ser356Arg; replaces serine 356 with arginine.
Molecular consequence: missense variant.
Genome position (GRCh38, 1-based): chr9:16,437,128, T>G on the plus strand (A>C on the coding strand, the complement: BNC2 is on the minus strand). VCF-style: chr9-16437128-T-G. GRCh37 (hg19) VCF-style: chr9-16437126-T-G.
Other names: c.940A>C, p.Ser314Arg (NM_001317939.2); c.781A>C, p.Ser261Arg (NM_001317940.2); short protein forms S261R, S314R, S356R.
Identifiers: ClinVar variation 4992556 (VCV004992556.1).
Genomic context (GRCh38, chr9:16,437,128, plus strand): 5'-AAGGTGTGGGAGAAACTTCGGATTCGCTGCTCTCATTATATTCATTCTGAGTTGAAAGGC[T>G]GGGTTCCCGCAGCCTCAACCCTGGTTGCTCTAACAGTAGCCCATTTGGAGGCAACCCTAG-3'
Protein context (NP_060107.3, residues 346-366): EQPGLRLREP[Ser356Arg]LSTQNEYNES